The following is an entry in ClinVar:

NM_001375524.1(TRRAP):c.8194C>G (p.Pro2732Ala)

Gene: TRRAP (transformation/transcription domain associated protein; plus strand). Cytogenetic location: 7q22.1.
Variant type: single nucleotide variant.
Coding change: c.8194C>G on transcript NM_001375524.1 (MANE Select); coding-DNA position 8194, C replaced by G.
Protein change: p.Pro2732Ala; replaces proline 2732 with alanine.
Molecular consequence: missense variant.
Genome position (GRCh38, 1-based): chr7:98,976,717, C>G. VCF-style: chr7-98976717-C-G. GRCh37 (hg19) VCF-style: chr7-98574340-C-G.
Other names: c.8173C>G, p.Pro2725Ala (NM_001244580.2); c.8119C>G, p.Pro2707Ala (NM_003496.4); short protein forms P2725A, P2707A, P2732A.
Identifiers: ClinVar variation 2103347 (VCV002103347.4), dbSNP rs1792675459, ClinGen allele CA368303924.

ClinVar aggregate classification (germline): Uncertain significance (1 of 4 stars; one submission).

Submission:

Labcorp Genetics (formerly Invitae), Labcorp
Classification: Uncertain significance. Last evaluated: 2022-02-25. Review status: criteria provided, single submitter. Criteria: Invitae Variant Classification Sherloc (09022015). Collection method: clinical testing. Allele origin: germline.
Comment: This sequence change replaces proline, which is neutral and non-polar, with alanine, which is neutral and non-polar, at codon 2707 of the TRRAP protein (p.Pro2707Ala). In summary, the available evidence is currently insufficient to determine the role of this variant in disease. Therefore, it has been classified as a Variant of Uncertain Significance. Algorithms developed to predict the effect of missense changes on protein structure and function (SIFT, PolyPhen-2, Align-GVGD) all suggest that this variant is likely to be tolerated. This variant has not been reported in the literature in individuals affected with TRRAP-related conditions. This variant is not present in population databases (gnomAD no frequency).